The following continues an entry in ClinVar:

NM_000540.3(RYR1):c.1840C>T (p.Arg614Cys)

Gene: RYR1. ClinVar aggregate classification (germline): Pathogenic; drug response. Pathogenic (1).

Submissions 29 to 41 of 41:

HudsonAlpha Institute for Biotechnology
Classification: Pathogenic for Malignant hyperthermia, susceptibility to, 1. Last evaluated: 2021-07-29. Review status: criteria provided, single submitter. Criteria: ACMG Guidelines, 2015. Collection method: research. Allele origin: paternal. Affected: yes. Observed: 1 variant allele. Study: HudsonAlpha-AGHI-WGS. Not counted in ClinVar's aggregate classification.
Comment: ACMG codes:PS4M, PM2, PM5, PP3, PP5

Fulgent Genetics
Classification: Pathogenic for Central core myopathy; Malignant hyperthermia, susceptibility to, 1; Congenital myopathy 4A, autosomal dominant; Congenital multicore myopathy with external ophthalmoplegia; King Denborough syndrome. Last evaluated: 2021-07-13. Review status: criteria provided, single submitter. Criteria: ACMG Guidelines, 2015. Collection method: clinical testing. Allele origin: unknown. Not counted in ClinVar's aggregate classification.

GeneDx
Classification: Pathogenic. Last evaluated: 2021-02-15. Review status: criteria provided, single submitter. Criteria: GeneDx Variant Classification Process June 2021. Collection method: clinical testing. Allele origin: germline. Affected: yes. Not counted in ClinVar's aggregate classification.
Comment: One of the most commonly identified RYR1 variants among individuals of Western European backgrounds (Rueffert et al., 2002; Kraeva et al., 2011); Published functional studies demonstrate a damaging effect, as the variant is sufficient to induce malignant hyperthermic episodes by causing impaired calcium and magnesium inhibition and reduced activation of the mutant protein at calcium concentrations typical of normal myotubes at rest (Tong et al., 1997; Yang et al., 2003); Not observed at a significant frequency in large population cohorts (Lek et al., 2016); In silico analysis supports that this missense variant has a deleterious effect on protein structure/function; This variant is associated with the following publications: (PMID: 21455645, 25637381, 7511586, 30325262, 12124989, 31206373, 24195946, 9334205, 21795085, 12732639, 11668625, 9873004, 23842196, 12059893, 1774074, 19648156, 8602662, 12411788, 29635721, 29382405, 30788618, 30499100, 30236257, 29730239, 30208288, 30611313, 31016048, 31447099, 33278783, 33259453, 31589614, 10352931, 33587123, 14500992, 11493496, 11553045, 32665702, 10756965, 25214167, 32528171)

Laboratory for Molecular Medicine, Mass General Brigham Personalized Medicine
Classification: Pathogenic for Malignant hyperthermia of anesthesia. Last evaluated: 2019-08-07. Review status: criteria provided, single submitter. Criteria: LMM Criteria. Collection method: clinical testing. Allele origin: germline. Inheritance: Autosomal dominant inheritance. Observed: 16 variant alleles. Not counted in ClinVar's aggregate classification.
Comment: The p.Arg614Cys variant in RYR1 has been reported in >30 individuals with malignant hyperthermia, and segregated with disease in more than 6 affected relatives from more than 3 families (Gillard 1991, Hogan 1992, Serfas 1996, Fortunato 1999, Rueffert 2001, Girard 2001, Muniz 2003, Vladutiu 2011, Klingler 2014, LMM unpublished data). In vitro functional studies provide some evidence that the p.Arg614Cys variant may impact protein function (Tong 1999, 2003, Girard 2001). Animal models in pigs further support a contribution to malignant hyperthermia (Ostu 1991). This variant has been identified in 0.02% (24/126704) of European chromosomes by gnomAD. Please note that for diseases with clinical variability or reduced penetrance, pathogenic variants may be present at a low frequency in the general population. In summary, this variant meets criteria to be classified as pathogenic for malignant hyperthermia in an autosomal dominant manner. ACMG/AMP Criteria applied: PS3, PS4, PP1_Moderate.

Human Genome Sequencing Center Clinical Lab, Baylor College of Medicine
Classification: Pathogenic for Malignant hyperthermia, susceptibility to, 1. Last evaluated: 2017-10-16. Review status: criteria provided, single submitter. Criteria: ACMG Guidelines, 2015. Collection method: clinical testing. Allele origin: germline. Not counted in ClinVar's aggregate classification.
Comment: This c.1840C>T (p.Arg614Cys) variant in the RYR1 gene has been reported in multiple unrelated individuals with malignant hyperthermia (PMID: 1774074, 7762556, 10051009, 10484775, 19648156, 23842196, 11668625) or myopathy (PMID: 21795085). This variant has been shown to segregate with features of malignant hyperthermia in multiple families (PMID: 7762556, 7586638, 9520251). The c.796G>A variant is rare in the general population and arginine at position 614 of the RYR1 protein is highly evolutionarily conserved. The c.1840C>T (p.Arg614Cys) variant in the RYR1 gene is classified as pathogenic.

Biesecker Lab/Clinical Genomics Section, National Institutes of Health
Classification: Pathogenic for Malignant hyperthermia, susceptibility to, 1. Last evaluated: 2013-07-01. Review status: criteria provided, single submitter. Criteria: Gonsalves et al. 2013. Collection method: research. Allele origin: unknown. Observed: 1 variant allele. Study: ClinSeq. Not counted in ClinVar's aggregate classification.
Comment: The study set was not selected for affection status in relation to any myopathy. Pathogenicity categories were based on literature curation. See Pubmed ID: 24195946 for details.

PreventionGenetics, part of Exact Sciences
Classification: Pathogenic for RYR1-related condition. Last evaluated: 2024-09-05. Review status: no assertion criteria provided. Collection method: clinical testing. Allele origin: germline. Not counted in ClinVar's aggregate classification.
Comment: The RYR1 c.1840C>T variant is predicted to result in the amino acid substitution p.Arg614Cys. This variant has been conclusively established to be causative for malignant hyperthermia (MH) (Gillard et al. 1991. PubMed ID: 1774074; Otsu et al. 1994. PubMed ID: 7511586; Quane et al. 1997. PubMed ID: 9389851; Tong et al. 1997. PubMed ID: 9334205; Robinson et al. 2006. PubMed ID: 16917943). Functional studies in HEK293 cells indicate this variant results in increased caffeine sensitivity and abnormal ryanodine receptor function (Referred to R615C in Murayama et al. 2015. PubMed ID: 26115329). A different substitution at the same amino acid has also been reported to be causative (p.Arg614Leu). An expert ClinGen MH panel has classified this variant as pathogenic for MH. This variant is reported in 0.019% of alleles in individuals of European (Non-Finnish) descent in gnomAD. This variant is interpreted as pathogenic.

CSER _CC_NCGL, University of Washington
Classification: Pathogenic for Malignant hyperthermia. Last evaluated: 2014-06-01. Review status: no assertion criteria provided. Collection method: research. Allele origin: germline. Inheritance: Autosomal dominant inheritance. Study: ESP 6500 variant annotation. Not counted in ClinVar's aggregate classification.
Comment: Variants classified for the Actionable exomic incidental findings in 6503 participants: challenges of variant classification manuscript

OMIM
Classification: risk factor for MALIGNANT HYPERTHERMIA, SUSCEPTIBILITY TO, 1. Last evaluated: 1996-04-01. Review status: no assertion criteria provided. Collection method: literature only. Allele origin: germline. Not counted in ClinVar's aggregate classification.

Genome Diagnostics Laboratory, Amsterdam University Medical Center
Classification: Pathogenic. Review status: no assertion criteria provided. Collection method: clinical testing. Allele origin: germline. Affected: yes. Study: VKGL Data-share Consensus. Not counted in ClinVar's aggregate classification.

Genome Diagnostics Laboratory, University Medical Center Utrecht
Classification: Pathogenic. Review status: no assertion criteria provided. Collection method: clinical testing. Allele origin: germline. Affected: yes. Study: VKGL Data-share Consensus. Not counted in ClinVar's aggregate classification.

Joint Genome Diagnostic Labs from Nijmegen and Maastricht, Radboudumc and MUMC+
Classification: Pathogenic. Review status: no assertion criteria provided. Collection method: clinical testing. Allele origin: germline. Affected: yes. Study: VKGL Data-share Consensus. Not counted in ClinVar's aggregate classification.

RYR1 database
No classification provided. Review status: no classification provided. Collection method: not provided. Allele origin: unknown. Not counted in ClinVar's aggregate classification.
Comment: Additional PMIDs:;12937085;16835904;07511586;16917943;07762556;12434264;12059893;17710899;17081152

Literature cited by the submitters: PubMed 10051009 (cited by ClinPGx and Ambry Genetics); PubMed 10352931 (cited by 6 submitters); PubMed 10484775 (cited by ClinPGx and Laboratory for Molecular Medicine, Mass General Brigham Personalized Medicine); PubMed 11448278 (cited by ClinPGx); PubMed 11493496 (cited by 10 submitters); PubMed 11553045 (cited by ClinPGx and Ambry Genetics); PubMed 11575529 (cited by ClinPGx); PubMed 11668625 (cited by 6 submitters); PubMed 12059893 (cited by ClinPGx); PubMed 12124989 (cited by ClinPGx and AiLife Diagnostics); PubMed 12151923 (cited by ClinPGx); PubMed 12237752 (cited by ClinPGx); PubMed 12411788 (cited by 5 submitters); PubMed 12434264 (cited by ClinPGx); PubMed 14500992 (cited by 3 submitters); PubMed 14985404 (cited by ClinPGx and Molecular Genetics, Royal Melbourne Hospital); PubMed 1510267 (cited by ClinPGx and Laboratory for Molecular Medicine, Mass General Brigham Personalized Medicine); PubMed 15448513 (cited by ClinPGx); PubMed 16163667 (cited by ClinPGx and Illumina Laboratory Services, Illumina); PubMed 16835904 (cited by ClinPGx); PubMed 16917943 (cited by ClinPGx and Ambry Genetics); PubMed 17081152 (cited by ClinPGx); PubMed 17667581 (cited by ClinPGx); PubMed 17710899 (cited by ClinPGx); PubMed 1774074 (cited by 7 submitters); PubMed 18502356 (cited by ClinPGx); PubMed 18564801 (cited by ClinPGx); PubMed 19191333 (cited by ClinPGx); PubMed 19648156 (cited by 4 submitters); PubMed 20681998 (cited by ClinPGx); PubMed 21455645 (cited by 4 submitters); PubMed 24195946 (cited by 3 submitters); PubMed 24433488 (cited by 5 submitters); PubMed 25268394 (cited by 3 submitters); PubMed 25658027 (cited by ClinPGx); PubMed 25735680 (cited by 3 submitters); PubMed 25960145 (cited by 4 submitters); PubMed 25989378 (cited by ClinPGx); PubMed 26951757 (cited by ClinPGx); PubMed 27382027 (cited by ClinPGx); PubMed 27646467 (cited by ClinPGx); PubMed 7547049 (cited by ClinPGx); PubMed 7586638 (cited by 4 submitters); PubMed 7633940 (cited by ClinPGx); PubMed 7751854 (cited by ClinPGx); PubMed 7762556 (cited by 3 submitters); PubMed 8602662 (cited by 6 submitters); PubMed 9334205 (cited by 6 submitters); PubMed 9389851 (cited by ClinPGx); PubMed 9497245 (cited by ClinPGx); PubMed 9520251 (cited by ClinPGx and Dasa); PubMed 21795085 (cited by 6 submitters); PubMed 23842196 (cited by 6 submitters); PubMed 12732639 (cited by 5 submitters); PubMed 26115329 (cited by 3 submitters); PubMed 30236257 (cited by 5 submitters); PubMed 12937085 (cited by Ambry Genetics); PubMed 23919265 (cited by Victorian Clinical Genetics Services, Murdoch Childrens Research Institute); PubMed 27855725 (cited by Victorian Clinical Genetics Services, Murdoch Childrens Research Institute); PubMed 30406384 (cited by Victorian Clinical Genetics Services, Murdoch Childrens Research Institute); PubMed 33458582 (cited by Victorian Clinical Genetics Services, Murdoch Childrens Research Institute and Molecular Genetics, Royal Melbourne Hospital); PubMed 29635721 (cited by Molecular Genetics, Royal Melbourne Hospital and AiLife Diagnostics); PubMed 25637381 (cited by AiLife Diagnostics); PubMed 31016048 (cited by AiLife Diagnostics and Laboratory for Molecular Medicine, Mass General Brigham Personalized Medicine); PubMed 30611313 (cited by AiLife Diagnostics); PubMed 31206373 (cited by AiLife Diagnostics); PubMed 10756965 (cited by AiLife Diagnostics); PubMed 9873004 (cited by AiLife Diagnostics and Laboratory for Molecular Medicine, Mass General Brigham Personalized Medicine); PubMed 32528171 (cited by AiLife Diagnostics); PubMed 32665702 (cited by AiLife Diagnostics); PubMed 29382405 (cited by AiLife Diagnostics); PubMed 31447099 (cited by AiLife Diagnostics); PubMed 16732090 (cited by Laboratory for Molecular Medicine, Mass General Brigham Personalized Medicine); PubMed 1774073 (cited by Laboratory for Molecular Medicine, Mass General Brigham Personalized Medicine); PubMed 8401544 (cited by OMIM); PubMed 1639409 (cited by OMIM); PubMed 7889656 (cited by OMIM); PubMed 8828983 (cited by OMIM); PubMed 7511586 (cited by OMIM).